The following is an entry in ClinVar:

NM_032043.3(BRIP1):c.1268A>C (p.Asp423Ala)

Gene: BRIP1 (BRCA1 interacting DNA helicase 1; minus strand). Cytogenetic location: 17q23.2.
Variant type: single nucleotide variant.
Coding change: c.1268A>C on transcript NM_032043.3 (MANE Select); coding-DNA position 1268, A replaced by C.
Protein change: p.Asp423Ala; replaces aspartic acid 423 with alanine.
Molecular consequence: missense variant.
Genome position (GRCh38, 1-based): chr17:61,799,172, T>G on the plus strand (A>C on the coding strand, the complement: BRIP1 is on the minus strand). VCF-style: chr17-61799172-T-G. GRCh37 (hg19) VCF-style: chr17-59876533-T-G.
Other names: short protein forms D423A.
Identifiers: ClinVar variation 481659 (VCV000481659.5), dbSNP rs746778889, ClinGen allele CA400483567.

ClinVar aggregate classification (germline): Uncertain significance (1 of 4 stars; one submission).

Conditions:
Hereditary cancer-predisposing syndrome. Also called: Neoplastic Syndromes, Hereditary; Tumor predisposition; Hereditary Cancer Syndrome; Hereditary neoplastic syndrome. Identifiers: Orphanet 140162, MedGen C0027672, MeSH D009386, MONDO:0015356.

gnomAD v4.1: 1 of 1,613,730 alleles (0.000062%); highest among the groups gnomAD compares: Non-Finnish European, 0.000085%; no homozygotes.

Submission:

Ambry Genetics
Classification: Uncertain significance for Hereditary cancer-predisposing syndrome. Last evaluated: 2019-06-07. Review status: criteria provided, single submitter. Criteria: Ambry Variant Classification Scheme 2023. Collection method: clinical testing. Allele origin: germline.
Comment: The p.D423A variant (also known as c.1268A>C), located in coding exon 8 of the BRIP1 gene, results from an A to C substitution at nucleotide position 1268. The aspartic acid at codon 423 is replaced by alanine, an amino acid with dissimilar properties.This amino acid position is highly conserved in available vertebrate species. In addition, the in silico prediction for this alteration is inconclusive. Since supporting evidence is limited at this time, the clinical significance of this alteration remains unclear.